The following is an entry in ClinVar:

ClinVar aggregate classification (germline): Likely pathogenic (1 of 4 stars; one submission).

Submission:

Labcorp Genetics (formerly Invitae), Labcorp
Classification: Likely pathogenic. Last evaluated: 2020-10-30. Review status: criteria provided, single submitter. Criteria: Invitae Variant Classification Sherloc (09022015). Collection method: clinical testing. Allele origin: germline.
Comment: In summary, the currently available evidence indicates that the variant is pathogenic, but additional data are needed to prove that conclusively. Therefore, this variant has been classified as Likely Pathogenic. Experimental studies and prediction algorithms are not available or were not evaluated, and the functional significance of this variant is currently unknown. This variant has been observed in individual(s) with FBXO11-related neurodevelopmental disorder (Invitae). In at least one individual the variant was observed to be de novo. This variant is not present in population databases (ExAC no frequency). This variant, c.1769_1778delinsGTGATGGCCC, is a complex sequence change that results in the deletion of 4 and the insertion of 4 amino acid(s) in the FBXO11 protein (p.His590_Gln593delinsArgAspGlyPro).

NM_001190274.2(FBXO11):c.1769_1778delinsGTGATGGCCC (p.His590_Gln593delinsArgAspGlyPro)

Gene: FBXO11 (F-box protein 11; minus strand). Cytogenetic location: 2p16.3.
Variant type: Indel.
Coding change: c.1769_1778delinsGTGATGGCCC on transcript NM_001190274.2 (MANE Select); coding-DNA positions 1769 to 1778, ATGATGGCCA replaced by GTGATGGCCC.
Protein change: p.His590_Gln593delinsArgAspGlyPro.
Molecular consequence: missense variant.
Genome position (GRCh38, 1-based): chr2:47,820,381-47,820,390, TGGCCATCAT replaced by GGGCCATCAC on the plus strand (ATGATGGCCA replaced by GTGATGGCCC on the coding strand, the reverse complement: FBXO11 is on the minus strand). VCF-style: chr2-47820381-TGGCCATCAT-GGGCCATCAC. GRCh37 (hg19) VCF-style: chr2-48047520-TGGCCATCAT-GGGCCATCAC.
Other names: c.1517_1526delinsGTGATGGCCC, p.His506_Gln509delinsArgAspGlyPro (NM_001374325.1, NM_025133.4).
Identifiers: ClinVar variation 1346253 (VCV001346253.8), dbSNP rs2104716125, ClinGen allele CA2573134930.
Genomic context (GRCh38, chr2:47,820,381, plus strand): 5'-TTGATGCATGAGTTTATAGGGAACTATATACATTAACTTACCACATAAATCCCACCATGC[TGGCCATCAT>GGGCCATCAC]GAATTTTGTTATGCCGAACAATTGGACAACTGTTTGTCCTAATTTGAATTCCTGCTAATG-3'